The following is an entry in ClinVar:

NM_002971.6(SATB1):c.1946C>T (p.Thr649Ile)

Gene: SATB1 (SATB homeobox 1; minus strand). Cytogenetic location: 3p24.3.
Variant type: single nucleotide variant.
Coding change: c.1946C>T on transcript NM_002971.6 (MANE Select); coding-DNA position 1946, C replaced by T.
Protein change: p.Thr649Ile; replaces threonine 649 with isoleucine.
Molecular consequence: missense variant.
Genome position (GRCh38, 1-based): chr3:18,349,516, G>A on the plus strand (C>T on the coding strand, the complement: SATB1 is on the minus strand). VCF-style: chr3-18349516-G-A. GRCh37 (hg19) VCF-style: chr3-18391008-G-A.
Other names: c.1946C>T, p.Thr649Ile (NM_001131010.4, NM_001322872.2, NM_001322873.2 and 2 more transcripts); c.2042C>T, p.Thr681Ile (NM_001195470.3, NM_001322871.2); c.1730C>T, p.Thr577Ile (NM_001322876.2); short protein forms T577I, T649I, T681I.
Identifiers: ClinVar variation 1800945 (VCV001800945.1), dbSNP rs2470394184, ClinGen allele CA351853480.

ClinVar aggregate classification (germline): Uncertain significance (1 of 4 stars; one submission).

Submission:

GeneDx
Classification: Uncertain significance. Last evaluated: 2022-05-27. Review status: criteria provided, single submitter. Criteria: GeneDx Variant Classification Process June 2021. Collection method: clinical testing. Allele origin: germline. Affected: yes.
Comment: Not observed at significant frequency in large population cohorts (gnomAD); In silico analysis supports that this missense variant does not alter protein structure/function; Has not been previously published as pathogenic or benign to our knowledge